The following is an entry in ClinVar:

NM_000368.5(TSC1):c.1282G>C (p.Ala428Pro)

Gene: TSC1 (TSC complex subunit 1; minus strand). Cytogenetic location: 9q34.13.
Variant type: single nucleotide variant.
Coding change: c.1282G>C on transcript NM_000368.5 (MANE Select); coding-DNA position 1282, G replaced by C.
Protein change: p.Ala428Pro; replaces alanine 428 with proline.
Molecular consequence: missense variant.
Genome position (GRCh38, 1-based): chr9:132,907,352, C>G on the plus strand (G>C on the coding strand, the complement: TSC1 is on the minus strand). VCF-style: chr9-132907352-C-G. GRCh37 (hg19) VCF-style: chr9-135782739-C-G.
Other names: c.1279G>C, p.Ala427Pro (NM_001162426.2); c.1129G>C, p.Ala377Pro (NM_001162427.2); c.919G>C, p.Ala307Pro (NM_001362177.2); short protein forms A307P, A377P, A427P, A428P.
Identifiers: ClinVar variation 1341788 (VCV001341788.4), dbSNP rs1845728007, ClinGen allele CA375366187.
Genomic context (GRCh38, chr9:132,907,352, plus strand): 5'-AAATTTTACCTGATCCTCTGTCATTCAGAAGATGGTGTTGTCTGTGTAGACATGGTCTTG[C>G]AGAATCCATTCTCTCTTCCTGAAAAGATAAGTATCATTTATATCACAAGACGAAAAATGT-3'
Protein context (NP_000359.1, residues 418-438): PPRKEERMDS[Ala428Pro]RPCLHRQHHL

ClinVar aggregate classification (germline): Uncertain significance. Review status: criteria provided, multiple submitters, no conflicts (2 of 4 stars). 3 submissions from 3 submitters: Uncertain significance (3). Last evaluated 2023-04-03.

Conditions:
Tuberous sclerosis 1 (TSC1). Identifiers: Orphanet 805, MedGen C1854465, MONDO:0008612, OMIM 191100.
Hereditary cancer-predisposing syndrome. Also called: Hereditary Cancer Syndrome; Neoplastic Syndromes, Hereditary; Tumor predisposition; Hereditary neoplastic syndrome. Identifiers: Orphanet 140162, MedGen C0027672, MeSH D009386, MONDO:0015356.
Tuberous sclerosis syndrome (TSC). Also called: Tuberous Sclerosis Complex; Tuberous sclerosis. Identifiers: Orphanet 805, MedGen C0041341, MONDO:0001734.

Allele frequency attached by ClinVar (database versions not stated): gnomAD 0.00001; TOPMed 0.00001.
gnomAD v4.1: 1 of 1,613,922 alleles (0.000062%); highest among the groups gnomAD compares: Admixed American, 0.0017%; no homozygotes.

Submissions (3):

All of Us Research Program, National Institutes of Health
Classification: Uncertain significance for Tuberous sclerosis syndrome. Last evaluated: 2023-04-03. Review status: criteria provided, single submitter. Criteria: ACMG Guidelines, 2015. Collection method: clinical testing. Allele origin: germline. Inheritance: Autosomal dominant inheritance. Observed: 1 variant allele, 1 heterozygote.
Comment: This missense variant replaces alanine with proline at codon 428 of the TSC1 protein. Computational prediction suggests that this variant may not impact protein structure and function (internally defined REVEL score threshold <= 0.5, PMID: 27666373). To our knowledge, functional studies have not been reported for this variant. This variant has not been reported in individuals affected with TSC1-related disorders in the literature. This variant has not been identified in the general population by the Genome Aggregation Database (gnomAD). The available evidence is insufficient to determine the role of this variant in disease conclusively. Therefore, this variant is classified as a Variant of Uncertain Significance.

This study involves interpretation of variants in research participants for the purpose of population health screening. Participant phenotype was not available at the time of variant classification. Additional details can be found in publication PMID: 35346344, PMCID: PMC8962531

Ambry Genetics
Classification: Uncertain significance for Hereditary cancer-predisposing syndrome. Last evaluated: 2022-07-11. Review status: criteria provided, single submitter. Criteria: Ambry Variant Classification Scheme 2023. Collection method: clinical testing. Allele origin: germline.
Comment: The p.A428P variant (also known as c.1282G>C), located in coding exon 11 of the TSC1 gene, results from a G to C substitution at nucleotide position 1282. The alanine at codon 428 is replaced by proline, an amino acid with highly similar properties. This amino acid position is conserved. In addition, this alteration is predicted to be tolerated by in silico analysis. Since supporting evidence is limited at this time, the clinical significance of this alteration remains unclear.

New York Genome Center
Classification: Uncertain significance for Tuberous sclerosis 1. Last evaluated: 2021-01-22. Review status: criteria provided, single submitter. Criteria: NYGC Assertion Criteria 2020. Collection method: clinical testing. Allele origin: inherited. Observed: 1 heterozygote. Study: CSER-NYCKidSeq.